The following is an entry in ClinVar:

ClinVar aggregate classification (germline): Uncertain significance (1 of 4 stars; one submission).

Allele frequency attached by ClinVar (database versions not stated): TOPMed below 0.00001; gnomAD 0.00001.
gnomAD v4.1: 2 of 1,603,726 alleles (0.00012%); highest among the groups gnomAD compares: Non-Finnish European, 0.00017%; no homozygotes.

Submission:

Labcorp Genetics (formerly Invitae), Labcorp
Classification: Uncertain significance. Last evaluated: 2023-01-25. Review status: criteria provided, single submitter. Criteria: Invitae Variant Classification Sherloc (09022015). Collection method: clinical testing. Allele origin: germline.
Comment: In summary, the available evidence is currently insufficient to determine the role of this variant in disease. Therefore, it has been classified as a Variant of Uncertain Significance. Advanced modeling of protein sequence and biophysical properties (such as structural, functional, and spatial information, amino acid conservation, physicochemical variation, residue mobility, and thermodynamic stability) performed at Invitae indicates that this missense variant is not expected to disrupt PAX3 protein function. This variant has not been reported in the literature in individuals affected with PAX3-related conditions. This variant is not present in population databases (gnomAD no frequency). This sequence change replaces proline, which is neutral and non-polar, with leucine, which is neutral and non-polar, at codon 26 of the PAX3 protein (p.Pro26Leu).

NM_181458.4(PAX3):c.77C>T (p.Pro26Leu)

Genes: CCDC140 (CCDC140 long non-coding RNA; plus strand), PAX3 (paired box 3; minus strand). Cytogenetic location: 2q36.1.
Variant type: single nucleotide variant.
Coding change: c.77C>T on transcript NM_181458.4 (MANE Select); coding-DNA position 77, C replaced by T.
Protein change: p.Pro26Leu; replaces proline 26 with leucine.
Molecular consequence: missense variant.
Genome position (GRCh38, 1-based): chr2:222,298,539, G>A on the plus strand (C>T on the coding strand, the complement: PAX3 is on the minus strand). VCF-style: chr2-222298539-G-A. GRCh37 (hg19) VCF-style: chr2-223163258-G-A.
Other names: c.77C>T, p.Pro26Leu (NM_000438.6, NM_001127366.3, NM_013942.5 and 4 more transcripts); short protein forms P26L.
Identifiers: ClinVar variation 2791415 (VCV002791415.3), dbSNP rs1259174817, ClinGen allele CA351113879.
Genomic context (GRCh38, chr2:222,298,539, plus strand): 5'-CAGCCGGTCCCAGGCCCTGGGATCCAGGCGGCGCGCTGAGGCCCTCCCTTACCTTCCAGC[G>A]GGAACCCGCTACGCGGGTAGTTCTGCCCCGGGCCCGGCCGCATCATCCTGGGCACAGCGC-3'
Protein context (NP_852123.1, residues 16-36): PGQNYPRSGF[Pro26Leu]LEVSTPLGQG